The following is an entry in ClinVar:

ClinVar aggregate classification (germline): Uncertain significance. Review status: criteria provided, multiple submitters, no conflicts (2 of 4 stars). 4 submissions from 4 submitters: Uncertain significance (4). Last evaluated 2026-05-18.

Conditions:
Cardiovascular phenotype. Identifiers: MedGen CN230736.
Arrhythmogenic right ventricular dysplasia 9 (ARVD9). Also called: ARRHYTHMOGENIC RIGHT VENTRICULAR DYSPLASIA, FAMILIAL, 9; Arrhythmogenic Right Ventricular Dysplasia/Cardiomyopathy 9. Identifiers: MedGen C1836906, MONDO:0012180, OMIM 609040.
Cardiomyopathy (CMYO). Also called: Cardiomyopathies. Identifiers: Orphanet 167848, MedGen C0878544, MONDO:0004994, HP:0001638. Inheritance: Various modes of inheritance.

Submissions (4):

Ambry Genetics
Classification: Uncertain significance for Cardiovascular phenotype. Last evaluated: 2026-05-18. Review status: criteria provided, single submitter. Criteria: Ambry Variant Classification Scheme 2023. Collection method: clinical testing. Allele origin: germline.
Comment: The c.428_430dupATC variant (also known as p.H143dup), located in coding exon 3 of the PKP2 gene, results from an in-frame duplication of ATC at nucleotide positions 428 to 430. This results in the duplication of an extra residue between codons 143 and 144. This amino acid position is poorly conserved in available vertebrate species. In addition, the in silico prediction for this variant is inconclusive (Choi Y et al. PLoS ONE. 2012; 7(10):e46688). Based on the available evidence, the clinical significance of this variant remains unclear.

Labcorp Genetics (formerly Invitae), Labcorp
Classification: Uncertain significance for Arrhythmogenic right ventricular dysplasia 9. Last evaluated: 2025-10-08. Review status: criteria provided, single submitter. Criteria: Invitae Variant Classification Sherloc (09022015). Collection method: clinical testing. Allele origin: germline.
Comment: This variant, c.428_430dup, results in the insertion of 1 amino acid(s) of the PKP2 protein (p.His143dup), but otherwise preserves the integrity of the reading frame. This variant is not present in population databases (gnomAD no frequency). This variant has not been reported in the literature in individuals affected with PKP2-related conditions. ClinVar contains an entry for this variant (Variation ID: 1478032). Experimental studies and prediction algorithms are not available or were not evaluated, and the functional significance of this variant is currently unknown. In summary, the available evidence is currently insufficient to determine the role of this variant in disease. Therefore, it has been classified as a Variant of Uncertain Significance.

Color Diagnostics, LLC DBA Color Health
Classification: Uncertain significance for Cardiomyopathy. Last evaluated: 2025-07-29. Review status: criteria provided, single submitter. Criteria: ACMG Guidelines, 2015. Collection method: clinical testing. Allele origin: germline.
Comment: This variant causes an in-frame duplication of one amino acid at exon 3 of the PKP2 protein. To our knowledge, functional studies have not been reported for this variant. This variant has not been reported in individuals affected with PKP2-related disorders in the literature. This variant has not been identified in the general population by the Genome Aggregation Database (gnomAD). The available evidence is insufficient to determine the role of this variant in disease conclusively. Therefore, this variant is classified as a Variant of Uncertain Significance.

GeneDx
Classification: Uncertain significance. Last evaluated: 2024-06-11. Review status: criteria provided, single submitter. Criteria: GeneDx Variant Classification Process June 2021. Collection method: clinical testing. Allele origin: germline. Affected: yes.
Comment: Has not been previously published as pathogenic or benign to our knowledge; Not observed at significant frequency in large population cohorts (gnomAD); In-frame duplication of 1 amino acids in a non-repeat region

NM_001005242.3(PKP2):c.428_430dup (p.His143dup)

Gene: PKP2 (plakophilin 2; minus strand). Cytogenetic location: 12p11.21.
Variant type: Duplication.
Coding change: c.428_430dup on transcript NM_001005242.3 (MANE Select); coding-DNA positions 428 to 430, 3 bases duplicated (ATC; older notation c.428_430dupATC).
Protein change: p.His143dup; duplicates histidine 143.
Molecular consequence: inframe insertion.
Genome position (GRCh38, 1-based): chr12:32,878,450-32,878,452, GAT duplicated on the plus strand (ATC on the coding strand, the reverse complement: PKP2 is on the minus strand); duplicating any 3 consecutive bases within chr12:32,878,450-32,878,453 gives the same sequence; the c. name uses the placement nearest the transcript's 3' end. VCF-style (leftmost placement, unchanged base first): chr12-32878449-G-GGAT. GRCh37 (hg19) VCF-style: chr12-33031383-G-GGAT.
Other names: c.428_430dup, p.His143dup (NM_004572.4); c.428_430dupATC (NM_004572.3); c.428_430dup (NM_004572.3).
Identifiers: ClinVar variation 1478032 (VCV001478032.12), dbSNP rs2137950571, ClinGen allele CA2503738525.